The following is an entry in ClinVar:

ClinVar aggregate classification (germline): Pathogenic/Likely pathogenic. Review status: criteria provided, multiple submitters, no conflicts (2 of 4 stars). 6 submissions from 6 submitters: Pathogenic (1); Likely pathogenic (4). 1 of the submissions does not count toward it. Last evaluated 2025-12-07.

Conditions:
Autosomal recessive RNU4ATAC-related disorders.
RNU4ATAC spectrum disorder. Also called: RNU4atac-opathy. Identifiers: MedGen CN377746, MONDO:0100558.
RNU4ATAC-related disorder. Also called: RNU4ATAC-related condition.
Osteodysplastic primordial dwarfism, type 1 (MOPD1). Also called: MOPD I; Microcephalic Osteodysplastic Primordial Dwarfism Type I/III (MOPDI) / Taybi-Linder Syndrome; Microcephalic Osteodysplastic Primordial Dwarfism, Type I; MOPD, SICILIAN FAIRY TYPE; BRACHYMELIC PRIMORDIAL DWARFISM; MICROCEPHALIC OSTEODYSPLASTIC PRIMORDIAL DWARFISM, TYPE III. Identifiers: Orphanet 2636, MedGen C1859452, MONDO:0008871, OMIM 210710.

Allele frequency attached by ClinVar (database versions not stated): TOPMed 0.00006.
gnomAD v4.1: 43 of 700,266 alleles (0.0061%); highest among the groups gnomAD compares: Non-Finnish European, 0.01%; no homozygotes.

Submissions (6):

Labcorp Genetics (formerly Invitae), Labcorp
Classification: Likely pathogenic. Last evaluated: 2025-12-07. Review status: criteria provided, single submitter. Criteria: Invitae Variant Classification Sherloc (09022015). Collection method: clinical testing. Allele origin: germline.
Comment: This variant occurs in the RNU4ATAC gene, which encodes an RNA molecule that does not result in a protein product. This variant is present in population databases (rs180755563, gnomAD 0.02%). This variant has been observed in individual(s) with Taybi-Linder syndrome (PMID: 21474761). In at least one individual the data is consistent with being in trans (on the opposite chromosome) from a pathogenic variant. ClinVar contains an entry for this variant (Variation ID: 30183). Studies have shown that this variant alters RNU4ATAC gene expression (PMID: 32628740). This variant is located within the 5' stem-loop region of the RNU4ATAC RNA, which includes the 15.5K binding site and is important for spliceosome assembly (PMID: 32628740). A significant number of disease-associated RNU4ATAC variants are found in this region (PMID: 32628740, 30368667). In summary, the currently available evidence indicates that the variant is pathogenic, but additional data are needed to prove that conclusively. Therefore, this variant has been classified as Likely Pathogenic.

Variantyx, Inc.
Classification: Likely pathogenic for Autosomal recessive RNU4ATAC-related disorders. Last evaluated: 2025-10-17. Review status: criteria provided, single submitter. Criteria: Variantyx Assertion Criteria 2022. Collection method: clinical testing. Allele origin: germline. Inheritance: Autosomal recessive inheritance.
Comment: This is a single nucleotide variant in the RNU4ATAC gene (OMIM: 601428). Pathogenic variants in this gene have been associated with autosomal recessive RNU4ATAC-related disorders. This variant has been identified in the homozygous or compound heterozygous state in at least one individual reported in the published literature (PMID: 21474761). This variant lies within a known hotspot for pathogenic variants or a well-established critical functional domain of the non-coding spliceosomal gene RNU4ATAC (PMID:32628740) (PM1), and functional studies have shown that this variant alters RNU4ATAC function (PMID: 32628740) (PS3). This variant has a 0.0101% maximum allele frequency in non-founder control populations (PM2). Based on the current evidence, this variant is classified as likely pathogenic for autosomal recessive RNU4ATAC-related disorders.

Broad Center for Mendelian Genomics, Broad Institute of MIT and Harvard
Classification: Likely pathogenic for RNU4ATAC spectrum disorder. Last evaluated: 2025-08-25. Review status: criteria provided, single submitter. Criteria: Ellingford et al. (Genome Med. 2022). Collection method: curation. Allele origin: germline. Inheritance: Autosomal recessive inheritance.
Comment: This variant has also been reported in the literature in one individual with RNU4ATAC spectrum disorder (PMID: 21474761), and has been identified in 0.01% (39/384804) of European (non-Finnish) chromosomes by the Genome Aggregation Database (gnomAD; dbSNP rs180755563). Although this variant has been seen in the general population in a heterozygous state, its frequency is low enough to be consistent with a recessive carrier frequency. This variant has also been reported in ClinVar (VCV000030183.7) and has been interpreted as pathogenic/likely pathogenic by Victorian Clinical Genetics Services (Murdoch Childrens Research Institute) and Labcorp Genetics. Of the two affected individuals, one was a compound heterozygote that carried a reported pathogenic variant in trans, which increases the likelihood that the n.53C>G variant is pathogenic (VCV000030178.40; PMID: 21474761). In vitro functional studies have conflicting evidence on the effect of the n.53C>G variant (PMID: 32628740, 24865609). However, these types of assays may not accurately represent biological function. The n.53C>G variant is located in the 5' Stem Loop region of RNU4ATAC where several other variants have been identified, suggesting that this variant is in a functional domain and supports pathogenicity (PMID: 26522830, 32628740). In summary, although additional studies are required to fully establish its clinical significance, this variant is likely pathogenic for autosomal recessive RNU4ATAC spectrum disorder. ACMG/AMP Criteria applied: PM1, PM3, PM2_supporting, PS3_supporting (Richards 2015).

Victorian Clinical Genetics Services, Murdoch Childrens Research Institute
Classification: Pathogenic for RNU4ATAC spectrum disorder. Last evaluated: 2024-10-11. Review status: criteria provided, single submitter. Criteria: ACMG Guidelines, 2015. Collection method: clinical testing. Allele origin: germline. Inheritance: Autosomal recessive inheritance. Affected: yes.
Comment: Based on the classification scheme VCGS_Germline_v1.3.5, this variant is classified as Pathogenic. Following criteria are met: 0102 - Loss of function is a known mechanism of disease in this gene and is associated with RNU4ATAC spectrum disorder (MONDO:0100558). (I) 0106 - This gene is associated with autosomal recessive disease. (I) 0218 - Non-coding variant without predicted effect on gene expression of downstream targets. This small nuclear RNA forms part of a spliceosome essential for minor intron splicing (PMID: 26522830). (I) 0251 - This variant is heterozygous. (I) 0304 - Variant is present in gnomAD (v4) <0.01 for a recessive condition (43 heterozygotes, 0 homozygotes). (SP) 0311 - Multiple alternative nucleotide changes at the same position have been observed in gnomAD (v4) (highest allele count: 85 heterozygotes, 0 homozygotes). (I) 0601 - Variant is located in the well-established functional 5' stem-loop structure (PMID: 26522830). (SP) 0703 - Another non-coding variant comparable to the one identified in this case has moderate previous evidence for pathogenicity. An alternative nucleotide change at the same position, n.53C>T, has been classified multiple times as likely pathogenic and once as a VUS by clinical laboratories in ClinVar. It has also been reported in a compound heterozygous individual with RNU4ATAC-related features (PMID: 30368667). (SP) 0803 - This variant has limited previous evidence of pathogenicity in unrelated individuals. This variant has been classified as likely pathogenic by a clinical laboratory in ClinVar and has also been reported in a compound heterozygous fetus with brain and bone malformations (PMID: 21474761). (SP) 0905 - No published segregation evidence has been identified for this variant. (I) Legend: (SP) - Supporting pathogenic, (I) - Information, (SB) - Supporting benign

Blueprint Genetics
Classification: Likely pathogenic for RNU4ATAC-related disorders. Last evaluated: 2024-06-19. Review status: criteria provided, single submitter. Criteria: ACMG Guidelines, 2015. Collection method: clinical testing. Allele origin: germline. Affected: yes. Observed: 5 variant alleles.

OMIM
Classification: Pathogenic for MICROCEPHALIC OSTEODYSPLASTIC PRIMORDIAL DWARFISM, TYPE I. Last evaluated: 2011-04-08. Review status: no assertion criteria provided. Collection method: literature only. Allele origin: germline. Not counted in ClinVar's aggregate classification.

Literature cited by the submitters: PubMed 21474761 (cited by 4 submitters); PubMed 32628740 (cited by 3 submitters); PubMed 30368667 (cited by Labcorp Genetics (formerly Invitae), Labcorp and Victorian Clinical Genetics Services, Murdoch Childrens Research Institute); PubMed 24865609 (cited by Broad Center for Mendelian Genomics, Broad Institute of MIT and Harvard); PubMed 26522830 (cited by Victorian Clinical Genetics Services, Murdoch Childrens Research Institute).

NR_023343.3(RNU4ATAC):n.53C>G

Genes: CLASP1 (cytoplasmic linker associated protein 1; minus strand), CLASP1-AS1 (CLASP1 antisense RNA 1; plus strand), RNU4ATAC (RNA, U4atac small nuclear; plus strand). Cytogenetic location: 2q14.2.
Variant type: single nucleotide variant.
Molecular consequence: intron variant (on NM_001395891.1).
Genome position: GRCh38 VCF-style: chr2-121530932-C-G. GRCh37 (hg19) VCF-style: chr2-122288508-C-G.
Other names: 53C-G; c.196-607G>C (NM_001142274.2, NM_015282.3, NM_001378003.1 and 5 more transcripts).
Identifiers: ClinVar variation 30183 (VCV000030183.10), dbSNP rs180755563, ClinGen allele CA129005.